The following is an entry in ClinVar:

NM_019096.5(GTPBP2):c.21G>A (p.Glu7=)

Genes: GTPBP2 (GTP binding protein 2; minus strand), LOC129996523 (ATAC-STARR-seq lymphoblastoid silent region 17238; plus strand). Cytogenetic location: 6p21.1.
Variant type: single nucleotide variant.
Coding change: c.21G>A on transcript NM_019096.5 (MANE Select); coding-DNA position 21, G replaced by A.
Protein change: p.Glu7=; no amino-acid change (glutamic acid 7 retained).
Molecular consequence: synonymous variant.
Genome position (GRCh38, 1-based): chr6:43,629,142, C>T on the plus strand (G>A on the coding strand, the complement: GTPBP2 is on the minus strand). VCF-style: chr6-43629142-C-T. GRCh37 (hg19) VCF-style: chr6-43596879-C-T.
Identifiers: ClinVar variation 3037832 (VCV003037832.2), dbSNP rs1460347555, ClinGen allele CA450292274.

ClinVar aggregate classification (germline): Likely benign (0 of 4 stars; one submission).

Conditions:
GTPBP2-related disorder. Also called: GTPBP2-related condition.

Allele frequency attached by ClinVar (database versions not stated): gnomAD exomes 0.00002; TOPMed 0.00002; gnomAD 0.00005.
gnomAD v4.1: 41 of 1,488,932 alleles (0.0028%); highest among the groups gnomAD compares: Non-Finnish European, 0.0032%; no homozygotes.

Submission:

PreventionGenetics, part of Exact Sciences
Classification: Likely benign for GTPBP2-related condition. Last evaluated: 2019-04-29. Review status: no assertion criteria provided. Collection method: clinical testing. Allele origin: germline.
Comment: This variant is classified as likely benign based on ACMG/AMP sequence variant interpretation guidelines (Richards et al. 2015 PMID: 25741868, with internal and published modifications).